The following is an entry in ClinVar:

NM_130837.3(OPA1):c.544T>C (p.Phe182Leu)

Gene: OPA1 (OPA1 mitochondrial dynamin like GTPase; plus strand). Cytogenetic location: 3q29.
Variant type: single nucleotide variant.
Coding change: c.544T>C on transcript NM_130837.3 (MANE Select); coding-DNA position 544, T replaced by C.
Protein change: p.Phe182Leu; replaces phenylalanine 182 with leucine.
Molecular consequence: missense variant. On other transcripts: intron variant (5).
Genome position (GRCh38, 1-based): chr3:193,617,273, T>C. VCF-style: chr3-193617273-T-C. GRCh37 (hg19) VCF-style: chr3-193335062-T-C.
Other names: c.172T>C, p.Phe58Leu (NM_001354664.2); c.544T>C, p.Phe182Leu (NM_015560.3, NM_130834.3, NM_130836.3); c.76+1503T>C (NM_001354663.2); c.449-511T>C (NM_130835.3, NM_130832.3); c.448+1503T>C (NM_130833.3, NM_130831.3); short protein forms F182L, F58L.
Identifiers: ClinVar variation 344481 (VCV000344481.8), dbSNP rs769335936, ClinGen allele CA2759041.
Genomic context (GRCh38, chr3:193,617,273, plus strand): 5'-CTTGTAAAGTTAGCACCAGACTTTGACAAGATTGTTGAAAGCCTTAGCTTATTGAAGGAC[T>C]TTTTTACCTCAGGTAAGGAAGAAGCTGTTTGATCTAATTTAAAAATTTAAGAACCATGGA-3'
Protein context (NP_570850.2, residues 172-192): IVESLSLLKD[Phe182Leu]FTSGHKLVSE

ClinVar aggregate classification (germline): Conflicting classifications of pathogenicity. Review status: criteria provided, conflicting classifications (1 of 4 stars). 2 submissions from 2 submitters: Uncertain significance (1); Likely benign (1). Last evaluated 2022-12-24.

Conditions:
Autosomal dominant optic atrophy classic form (OPA1). Also called: Optic Atrophy Type 1; KJER-TYPE OPTIC ATROPHY; OPTIC ATROPHY, JUVENILE. Identifiers: Orphanet 98673, MedGen C0338508, MONDO:0008134, OMIM 165500.

Allele frequency attached by ClinVar (database versions not stated): gnomAD exomes below 0.00001 and 0.00001; TOPMed below 0.00001; ExAC 0.00002.
gnomAD v4.1: 8 of 1,601,568 alleles (0.0005%); highest among the groups gnomAD compares: South Asian, 0.0088%; no homozygotes.

Submissions (2):

Labcorp Genetics (formerly Invitae), Labcorp
Classification: Uncertain significance. Last evaluated: 2022-12-24. Review status: criteria provided, single submitter. Criteria: Invitae Variant Classification Sherloc (09022015). Collection method: clinical testing. Allele origin: germline.
Comment: This sequence change replaces phenylalanine, which is neutral and non-polar, with leucine, which is neutral and non-polar, at codon 182 of the OPA1 protein (p.Phe182Leu). In summary, the available evidence is currently insufficient to determine the role of this variant in disease. Therefore, it has been classified as a Variant of Uncertain Significance. Algorithms developed to predict the effect of missense changes on protein structure and function output the following: SIFT: "Tolerated"; PolyPhen-2: "Benign"; Align-GVGD: "Class C0". The leucine amino acid residue is found in multiple mammalian species, which suggests that this missense change does not adversely affect protein function. ClinVar contains an entry for this variant (Variation ID: 344481). This variant has not been reported in the literature in individuals affected with OPA1-related conditions. This variant is present in population databases (rs769335936, gnomAD 0.003%).

Illumina Laboratory Services, Illumina
Classification: Likely benign for Autosomal dominant optic atrophy classic form. Last evaluated: 2018-01-13. Review status: criteria provided, single submitter. Criteria: ICSL Variant Classification Criteria 13 December 2019. Collection method: clinical testing. Allele origin: germline.
Comment: This variant was observed in the ICSL laboratory as part of a predisposition screen in an ostensibly healthy population. It had not been previously curated by ICSL or reported in the Human Gene Mutation Database (HGMD: prior to June 1st, 2018), and was therefore a candidate for classification through an automated scoring system. Utilizing variant allele frequency, disease prevalence and penetrance estimates, and inheritance mode, an automated score was calculated to assess if this variant is too frequent to cause the disease. Based on the score and internal cut-off values, a variant classified as likely benign is not then subjected to further curation. The score for this variant resulted in a classification of likely benign for this disease.